The following is an entry in ClinVar:

ClinVar aggregate classification (germline): Uncertain significance (1 of 4 stars; one submission).

Submission:

GeneDx
Classification: Uncertain significance. Last evaluated: 2013-10-07. Review status: criteria provided, single submitter. Criteria: GeneDx Variant Classification (06012015). Collection method: clinical testing. Allele origin: germline. Affected: yes.
Comment: To our knowledge, the N78I missense substitution has neither been published as a mutation, nor reported as a benign polymorphism. This substitution was not observed in approximately 6,500 individuals of European and African American ancestry in the NHLBI Exome Sequencing Project, indicating it is not a common benign variant in these populations. N78I represents a non-conservative amino acid substitution as a polar Asparagine residue is replaced with a non-polar Isoleucine residue. This substitution occurs at a position in the MEFV protein that is highly conserved among species. Based on the currently available information, it is unclear whether N78I is a disease-causing mutation or a rare benign variant.

NM_000243.3(MEFV):c.233A>T (p.Asn78Ile)

Gene: MEFV (MEFV innate immuity regulator, pyrin; minus strand). Cytogenetic location: 16p13.3.
Variant type: single nucleotide variant.
Coding change: c.233A>T on transcript NM_000243.3 (MANE Select); coding-DNA position 233, A replaced by T.
Protein change: p.Asn78Ile; replaces asparagine 78 with isoleucine.
Molecular consequence: missense variant.
Genome position (GRCh38, 1-based): chr16:3,256,355, T>A on the plus strand (A>T on the coding strand, the complement: MEFV is on the minus strand). VCF-style: chr16-3256355-T-A. GRCh37 (hg19) VCF-style: chr16-3306355-T-A.
Other names: c.233A>T, p.Asn78Ile (NM_001198536.2); short protein forms N78I.
Identifiers: ClinVar variation 234348 (VCV000234348.2), dbSNP rs145015653, ClinGen allele CA10577528.